The following is an entry in ClinVar:

NM_001365536.1(SCN9A):c.1516G>A (p.Glu506Lys)

Genes: SCN1A-AS1 (SCN1A and SCN9A antisense RNA 1; plus strand), SCN9A (sodium voltage-gated channel alpha subunit 9; minus strand). Cytogenetic location: 2q24.3.
Variant type: single nucleotide variant.
Coding change: c.1516G>A on transcript NM_001365536.1 (MANE Select); coding-DNA position 1516, G replaced by A.
Protein change: p.Glu506Lys; replaces glutamic acid 506 with lysine.
Molecular consequence: missense variant.
Genome position (GRCh38, 1-based): chr2:166,286,422, C>T on the plus strand (G>A on the coding strand, the complement: SCN9A is on the minus strand). VCF-style: chr2-166286422-C-T. GRCh37 (hg19) VCF-style: chr2-167142932-C-T.
Other names: c.1516G>A, p.Glu506Lys (NM_002977.4); short protein forms E506K.
Identifiers: ClinVar variation 1380611 (VCV001380611.8), dbSNP rs1553490332, ClinGen allele CA349084555.

ClinVar aggregate classification (germline): Uncertain significance (1 of 4 stars; one submission).

Conditions:
Neuropathy, hereditary sensory and autonomic, type 2A (HSAN2A). Also called: WNK1-Related HSAN2 (HSAN2A); MORVAN DISEASE; NEUROPATHY, CONGENITAL SENSORY; NEUROPATHY, HEREDITARY SENSORY RADICULAR, AUTOSOMAL RECESSIVE; NEUROPATHY, HEREDITARY SENSORY, TYPE IIA; NEUROPATHY, PROGRESSIVE SENSORY, OF CHILDREN. Identifiers: Orphanet 970, MedGen C2752089, MONDO:0024309, OMIM 201300.
Generalized epilepsy with febrile seizures plus, type 7 (GEFSP7). Also called: GEFS+, TYPE 7. Identifiers: Orphanet 36387, MedGen C2751778, MONDO:0013470, OMIM 613863.

Submission:

Labcorp Genetics (formerly Invitae), Labcorp
Classification: Uncertain significance for Neuropathy, hereditary sensory and autonomic, type 2A; Generalized epilepsy with febrile seizures plus, type 7. Last evaluated: 2021-03-23. Review status: criteria provided, single submitter. Criteria: Invitae Variant Classification Sherloc (09022015). Collection method: clinical testing. Allele origin: germline.
Comment: In summary, the available evidence is currently insufficient to determine the role of this variant in disease. Therefore, it has been classified as a Variant of Uncertain Significance. Algorithms developed to predict the effect of missense changes on protein structure and function are either unavailable or do not agree on the potential impact of this missense change (SIFT: "Tolerated"; PolyPhen-2: "Possibly Damaging"; Align-GVGD: "Class C0"). This variant has not been reported in the literature in individuals with SCN9A-related conditions. This variant is not present in population databases (ExAC no frequency). This sequence change replaces glutamic acid with lysine at codon 506 of the SCN9A protein (p.Glu506Lys). The glutamic acid residue is highly conserved and there is a small physicochemical difference between glutamic acid and lysine.